The following is an entry in ClinVar:

NM_001693.4(ATP6V1B2):c.488G>T (p.Arg163Leu)

Gene: ATP6V1B2 (ATPase H+ transporting V1 subunit B2; plus strand). Cytogenetic location: 8p21.3.
Variant type: single nucleotide variant.
Coding change: c.488G>T on transcript NM_001693.4 (MANE Select); coding-DNA position 488, G replaced by T.
Protein change: p.Arg163Leu; replaces arginine 163 with leucine.
Molecular consequence: missense variant.
Genome position (GRCh38, 1-based): chr8:20,211,201, G>T. VCF-style: chr8-20211201-G-T. GRCh37 (hg19) VCF-style: chr8-20068712-G-T.
Other names: short protein forms R163L.
Identifiers: ClinVar variation 4070646 (VCV004070646.1).

ClinVar aggregate classification (germline): Uncertain significance (1 of 4 stars; one submission).

Submission:

GeneDx
Classification: Uncertain significance. Last evaluated: 2025-01-07. Review status: criteria provided, single submitter. Criteria: GeneDx Variant Classification Process June 2021. Collection method: clinical testing. Allele origin: germline. Affected: yes.
Comment: Not observed at significant frequency in large population cohorts (gnomAD); In silico analysis supports that this missense variant has a deleterious effect on protein structure/function; Has not been previously published as pathogenic or benign to our knowledge.